The following is an entry in ClinVar:

NM_000531.6(OTC):c.626C>A (p.Ala209Glu)

Gene: OTC (ornithine transcarbamylase; plus strand). Cytogenetic location: Xp11.4.
Variant type: single nucleotide variant.
Coding change: c.626C>A on transcript NM_000531.6 (MANE Select); coding-DNA position 626, C replaced by A.
Protein change: p.Ala209Glu; replaces alanine 209 with glutamic acid.
Molecular consequence: missense variant.
Genome position (GRCh38, 1-based): chrX:38,403,703, C>A. VCF-style: chrX-38403703-C-A. GRCh37 (hg19) VCF-style: chrX-38262956-C-A.
Other names: short protein forms A209E.
Identifiers: ClinVar variation 955152 (VCV000955152.10), dbSNP rs72558417, ClinGen allele CA412725756.

ClinVar aggregate classification (germline): Pathogenic (1 of 4 stars; one submission).

Conditions:
Ornithine carbamoyltransferase deficiency (OTCD). Also called: ORNITHINE TRANSCARBAMYLASE DEFICIENCY; ORNITHINE TRANSCARBAMYLASE DEFICIENCY, HYPERAMMONEMIA DUE TO; OTC DEFICIENCY; Ornithine Carbamoyltransferase Deficiency Disease. Identifiers: Orphanet 664, MedGen C0268542, MONDO:0010703, OMIM 311250.

Submission:

Labcorp Genetics (formerly Invitae), Labcorp
Classification: Pathogenic for Ornithine carbamoyltransferase deficiency. Last evaluated: 2020-02-04. Review status: criteria provided, single submitter. Criteria: Invitae Variant Classification Sherloc (09022015). Collection method: clinical testing. Allele origin: germline.
Comment: This variant disrupts the p.Ala209 amino acid residue in OTC. Other variant(s) that disrupt this residue have been determined to be pathogenic (PMID: 8530002, 25433810, 10070627, 9286441, 12536032, 8807340, 11793468). This suggests that this residue is clinically significant, and that variants that disrupt this residue are likely to be disease-causing. For these reasons, this variant has been classified as Pathogenic. This sequence change replaces alanine with glutamic acid at codon 209 of the OTC protein (p.Ala209Glu). The alanine residue is highly conserved and there is a moderate physicochemical difference between alanine and glutamic acid. This variant is not present in population databases (ExAC no frequency). This variant has been observed in individual(s) with OTC deficiency (PMID: 26574542, Invitae). In at least one individual the variant was observed to be de novo. Algorithms developed to predict the effect of missense changes on protein structure and function are either unavailable or do not agree on the potential impact of this missense change (SIFT: "Tolerated"; PolyPhen-2: "Probably Damaging"; Align-GVGD: "Class C0").

Literature cited by the submitters: PubMed 8530002; PubMed 25433810; PubMed 10070627; PubMed 9286441; PubMed 12536032; PubMed 8807340; PubMed 11793468; PubMed 26574542.